The following is an entry in ClinVar:

NM_001165963.4(SCN1A):c.4002+2151T>C

Genes: SCN1A (sodium voltage-gated channel alpha subunit 1; minus strand), LOC102724058 (uncharacterized LOC102724058; plus strand). Cytogenetic location: 2q24.3.
Variant type: single nucleotide variant.
Coding change: c.4002+2151T>C on transcript NM_001165963.4 (MANE Select); 2151 bases into the intron after coding-DNA position 4002, T replaced by C.
Molecular consequence: intron variant.
Genome position (GRCh38, 1-based): chr2:166,007,568, A>G on the plus strand (T>C on the coding strand, the complement: SCN1A is on the minus strand). VCF-style: chr2-166007568-A-G. GRCh37 (hg19) VCF-style: chr2-166864078-A-G.
Other names: c.3969+2151T>C (NM_001353949.2, NM_001353950.2, NM_001353951.2 and 2 more transcripts); c.3918+2151T>C (NM_001353958.2, NM_001353957.2, NM_001165964.3); c.4002+2151T>C (NM_001202435.3, NM_001353948.2); c.3966+2151T>C (NM_001353955.2, NM_001353954.2); c.3915+2151T>C (NM_001353960.2); c.1560+2151T>C (NM_001353961.2).
Identifiers: ClinVar variation 1660839 (VCV001660839.9), dbSNP rs2105549480, ClinGen allele CA2573133066.

ClinVar aggregate classification (germline): Uncertain significance (1 of 4 stars; one submission).

Conditions:
Early-infantile DEE. Also called: Ohtahara syndrome; Early infantile epileptic encephalopathy; Early infantile epileptic encephalopathy with suppression bursts. Identifiers: Orphanet 1934, MedGen C0393706, MONDO:0800491.

Submission:

Labcorp Genetics (formerly Invitae), Labcorp
Classification: Uncertain significance for Early-infantile DEE. Last evaluated: 2024-05-15. Review status: criteria provided, single submitter. Criteria: Invitae Variant Classification Sherloc (09022015). Collection method: clinical testing. Allele origin: germline.
Comment: This sequence change falls in intron 20 of the SCN1A gene. It does not directly change the encoded amino acid sequence of the SCN1A protein. However, this sequence change falls within a region encompassing a cryptic exon in the SCN1A gene, in which variants have been shown to alter splicing (PMID: 30526861, 34107977). This variant is not present in population databases (gnomAD no frequency). This variant has not been reported in the literature in individuals affected with SCN1A-related conditions. ClinVar contains an entry for this variant (Variation ID: 1660839). Algorithms developed to predict the effect of sequence changes on RNA splicing suggest that this variant is not likely to affect RNA splicing. In summary, the available evidence is currently insufficient to determine the role of this variant in disease. Therefore, it has been classified as a Variant of Uncertain Significance.

Literature cited by the submitters: PubMed 30526861; PubMed 34107977.